The following is an entry in ClinVar:

NM_000143.4(FH):c.1520T>A (p.Leu507Gln)

Gene: FH (fumarate hydratase; minus strand). Cytogenetic location: 1q43.
Variant type: single nucleotide variant.
Coding change: c.1520T>A on transcript NM_000143.4 (MANE Select); coding-DNA position 1520, T replaced by A.
Protein change: p.Leu507Gln; replaces leucine 507 with glutamine.
Molecular consequence: missense variant.
Genome position (GRCh38, 1-based): chr1:241,497,841, A>T on the plus strand (T>A on the coding strand, the complement: FH is on the minus strand). VCF-style: chr1-241497841-A-T. GRCh37 (hg19) VCF-style: chr1-241661141-A-T.
Other names: short protein forms L507Q.
Identifiers: ClinVar variation 2842821 (VCV002842821.3), dbSNP rs1425094515, ClinGen allele CA345450005.

ClinVar aggregate classification (germline): Likely pathogenic (1 of 4 stars; one submission).

gnomAD v4.1: 1 of 1,609,240 alleles (0.000062%); highest among the groups gnomAD compares: East Asian, 0.0022%; no homozygotes.

Submission:

Labcorp Genetics (formerly Invitae), Labcorp
Classification: Likely pathogenic. Last evaluated: 2023-03-04. Review status: criteria provided, single submitter. Criteria: Invitae Variant Classification Sherloc (09022015). Collection method: clinical testing. Allele origin: germline.
Comment: This sequence change replaces leucine, which is neutral and non-polar, with glutamine, which is neutral and polar, at codon 507 of the FH protein (p.Leu507Gln). In summary, the currently available evidence indicates that the variant is pathogenic, but additional data are needed to prove that conclusively. Therefore, this variant has been classified as Likely Pathogenic. This variant disrupts the p.Leu507 amino acid residue in FH. Other variant(s) that disrupt this residue have been determined to be pathogenic (PMID: 12761039; Invitae). This suggests that this residue is clinically significant, and that variants that disrupt this residue are likely to be disease-causing. Advanced modeling of protein sequence and biophysical properties (such as structural, functional, and spatial information, amino acid conservation, physicochemical variation, residue mobility, and thermodynamic stability) performed at Invitae indicates that this missense variant is expected to disrupt FH protein function. This variant has not been reported in the literature in individuals affected with FH-related conditions. This variant is present in population databases (no rsID available, gnomAD 0.006%).

Literature cited by the submitters: PubMed 12761039.